The following is an entry in ClinVar:

ClinVar aggregate classification (germline): Likely benign (1 of 4 stars; one submission).

Conditions:
Primary familial polycythemia due to EPO receptor mutation. Also called: ERYTHROCYTOSIS, SOMATIC; POLYCYTHEMIA, PRIMARY FAMILIAL AND CONGENITAL; Primary Familial Congenital Polycythemia; Erythrocytosis, familial, 1. Identifiers: Orphanet 90042, MedGen C4551637, MONDO:0007572, OMIM 133100.

Allele frequency attached by ClinVar (database versions not stated): gnomAD 0.00004 and 0.00005; gnomAD exomes 0.00004; TOPMed 0.00005; ExAC 0.00006.

Submission:

Illumina Laboratory Services, Illumina
Classification: Likely benign for Primary familial polycythemia due to EPO receptor mutation. Last evaluated: 2018-01-12. Review status: criteria provided, single submitter. Criteria: ICSL Variant Classification Criteria 13 December 2019. Collection method: clinical testing. Allele origin: germline.
Comment: This variant was observed in the ICSL laboratory as part of a predisposition screen in an ostensibly healthy population. It had not been previously curated by ICSL or reported in the Human Gene Mutation Database (HGMD: prior to June 1st, 2018), and was therefore a candidate for classification through an automated scoring system. Utilizing variant allele frequency, disease prevalence and penetrance estimates, and inheritance mode, an automated score was calculated to assess if this variant is too frequent to cause the disease. Based on the score and internal cut-off values, a variant classified as likely benign is not then subjected to further curation. The score for this variant resulted in a classification of likely benign for this disease.

NM_000121.4(EPOR):c.1022C>T (p.Thr341Met)

Gene: EPOR (erythropoietin receptor; minus strand). Cytogenetic location: 19p13.2.
Variant type: single nucleotide variant.
Coding change: c.1022C>T on transcript NM_000121.4 (MANE Select); coding-DNA position 1022, C replaced by T.
Protein change: p.Thr341Met; replaces threonine 341 with methionine.
Molecular consequence: missense variant. On other transcripts: non-coding transcript variant (1).
Genome position (GRCh38, 1-based): chr19:11,378,489, G>A on the plus strand (C>T on the coding strand, the complement: EPOR is on the minus strand). VCF-style: chr19-11378489-G-A. GRCh37 (hg19) VCF-style: chr19-11489165-G-A.
Other names: short protein forms T341M.
Identifiers: ClinVar variation 328145 (VCV000328145.5), dbSNP rs754708788, ClinGen allele CA9210585.
Genomic context (GRCh38, chr19:11,378,489, plus strand): 5'-CTGCCCACTGGCTCCAGCAGGGGGCCCTCATCATCTGTCCCCGGCTCCACTGCCTGCATC[G>A]TCCCCCAGCAGCGCTCTGAGAGGACTTCCAGGGAAGCAGGTGGGTCCTCCGTGAAGGGGG-3'
Protein context (NP_000112.1, residues 331-351): LEVLSERCWG[Thr341Met]MQAVEPGTDD